The following is an entry in ClinVar:

NM_002739.5(PRKCG):c.811G>T (p.Val271Leu)

Gene: PRKCG (protein kinase C gamma; plus strand). Cytogenetic location: 19q13.42.
Variant type: single nucleotide variant.
Coding change: c.811G>T on transcript NM_002739.5 (MANE Select); coding-DNA position 811, G replaced by T.
Protein change: p.Val271Leu; replaces valine 271 with leucine.
Molecular consequence: missense variant.
Genome position (GRCh38, 1-based): chr19:53,892,633, G>T. VCF-style: chr19-53892633-G-T. GRCh37 (hg19) VCF-style: chr19-54395887-G-T.
Other names: c.811G>T, p.Val271Leu (NM_001316329.2); short protein forms V271L.
Identifiers: ClinVar variation 3042403 (VCV003042403.2), dbSNP rs375466358, ClinGen allele CA9640398.

ClinVar aggregate classification (germline): Benign (0 of 4 stars; one submission).

Conditions:
PRKCG-related disorder. Also called: PRKCG-related condition.

Allele frequency attached by ClinVar (database versions not stated): 1000 Genomes Project 30x 0.00016; 1000 Genomes Project 0.00020.
gnomAD v4.1: 498 of 1,611,642 alleles (0.031%); highest among the groups gnomAD compares: South Asian, 0.38%; 9 homozygotes.

Submission:

PreventionGenetics, part of Exact Sciences
Classification: Benign for PRKCG-related condition. Last evaluated: 2019-09-18. Review status: no assertion criteria provided. Collection method: clinical testing. Allele origin: germline.
Comment: This variant is classified as benign based on ACMG/AMP sequence variant interpretation guidelines (Richards et al. 2015 PMID: 25741868, with internal and published modifications).